The following is an entry in ClinVar:

NM_000275.3(OCA2):c.728G>A (p.Arg243His)

Gene: OCA2 (OCA2 melanosomal transmembrane protein; minus strand). Cytogenetic location: 15q13.1.
Variant type: single nucleotide variant.
Coding change: c.728G>A on transcript NM_000275.3 (MANE Select); coding-DNA position 728, G replaced by A.
Protein change: p.Arg243His; replaces arginine 243 with histidine.
Molecular consequence: missense variant.
Genome position (GRCh38, 1-based): chr15:28,018,476, C>T on the plus strand (G>A on the coding strand, the complement: OCA2 is on the minus strand). VCF-style: chr15-28018476-C-T. GRCh37 (hg19) VCF-style: chr15-28263622-C-T.
Other names: c.728G>A, p.Arg243His (NM_001300984.2); short protein forms R243H.
Identifiers: ClinVar variation 1937476 (VCV001937476.4), dbSNP rs766911058, ClinGen allele CA267910609.
Genomic context (GRCh38, chr15:28,018,476, plus strand): 5'-CTGGAGCCCAAAGCGTCAGCCTGGGTCAGCTCCACCACGATGTGCTCTTCCCTCCCAGGA[C>T]GACTCGGCCCACTGGCCACTAGGGCCCCTGCCAGGTCCACCTGCAGCAGCGTGGAGTCCA-3'
Protein context (NP_000266.2, residues 233-253): AGALVASGPS[Arg243His]PGREEHIVVE

ClinVar aggregate classification (germline): Uncertain significance (1 of 4 stars; one submission).

gnomAD v4.1: 22 of 1,613,836 alleles (0.0014%); highest among the groups gnomAD compares: Non-Finnish European, 0.0018%; no homozygotes.

Submission:

Labcorp Genetics (formerly Invitae), Labcorp
Classification: Uncertain significance. Last evaluated: 2024-10-16. Review status: criteria provided, single submitter. Criteria: Invitae Variant Classification Sherloc (09022015). Collection method: clinical testing. Allele origin: germline.
Comment: This sequence change replaces arginine, which is basic and polar, with histidine, which is basic and polar, at codon 243 of the OCA2 protein (p.Arg243His). This variant is present in population databases (rs766911058, gnomAD 0.003%). This variant has not been reported in the literature in individuals affected with OCA2-related conditions. ClinVar contains an entry for this variant (Variation ID: 1937476). Invitae Evidence Modeling of protein sequence and biophysical properties (such as structural, functional, and spatial information, amino acid conservation, physicochemical variation, residue mobility, and thermodynamic stability) indicates that this missense variant is not expected to disrupt OCA2 protein function with a negative predictive value of 80%. This variant disrupts the p.Arg243 amino acid residue in OCA2. Other variant(s) that disrupt this residue have been determined to be pathogenic (PMID: 19865097, 30835348, 34838614). This suggests that this residue is clinically significant, and that variants that disrupt this residue are likely to be disease-causing. In summary, the available evidence is currently insufficient to determine the role of this variant in disease. Therefore, it has been classified as a Variant of Uncertain Significance.

Literature cited by the submitters: PubMed 19865097; PubMed 30835348; PubMed 34838614.